The following is an entry in ClinVar:

ClinVar aggregate classification (germline): Uncertain significance (1 of 4 stars; one submission).

Allele frequency attached by ClinVar (database versions not stated): gnomAD exomes below 0.00001.
gnomAD v4.1: 1 of 1,612,974 alleles (0.000062%); highest among the groups gnomAD compares: Non-Finnish European, 0.000085%; no homozygotes.

Submission:

Labcorp Genetics (formerly Invitae), Labcorp
Classification: Uncertain significance. Last evaluated: 2025-10-11. Review status: criteria provided, single submitter. Criteria: Invitae Variant Classification Sherloc (09022015). Collection method: clinical testing. Allele origin: germline.
Comment: This sequence change replaces arginine, which is basic and polar, with threonine, which is neutral and polar, at codon 723 of the SCN3A protein (p.Arg723Thr). This variant is not present in population databases (gnomAD no frequency). This variant has not been reported in the literature in individuals affected with SCN3A-related conditions. ClinVar contains an entry for this variant (Variation ID: 2902605). Invitae Evidence Modeling of protein sequence and biophysical properties (such as structural, functional, and spatial information, amino acid conservation, physicochemical variation, residue mobility, and thermodynamic stability) indicates that this missense variant is not expected to disrupt SCN3A protein function with a negative predictive value of 95%. In summary, the available evidence is currently insufficient to determine the role of this variant in disease. Therefore, it has been classified as a Variant of Uncertain Significance.

NM_006922.4(SCN3A):c.2168G>C (p.Arg723Thr)

Gene: SCN3A (sodium voltage-gated channel alpha subunit 3; minus strand). Cytogenetic location: 2q24.3.
Variant type: single nucleotide variant.
Coding change: c.2168G>C on transcript NM_006922.4 (MANE Select); coding-DNA position 2168, G replaced by C.
Protein change: p.Arg723Thr; replaces arginine 723 with threonine.
Molecular consequence: missense variant.
Genome position (GRCh38, 1-based): chr2:165,138,102, C>G on the plus strand (G>C on the coding strand, the complement: SCN3A is on the minus strand). VCF-style: chr2-165138102-C-G. GRCh37 (hg19) VCF-style: chr2-165994612-C-G.
Other names: c.2021G>C, p.Arg674Thr (NM_001081676.2, NM_001081677.2); short protein forms R674T, R723T.
Identifiers: ClinVar variation 2902605 (VCV002902605.3), dbSNP rs2468304444, ClinGen allele CA349045452.